The following is an entry in ClinVar:

NM_001142864.4(PIEZO1):c.5349C>G (p.Ile1783Met)

Gene: PIEZO1 (piezo type mechanosensitive ion channel component 1 (Er blood group); minus strand). Cytogenetic location: 16q24.3.
Variant type: single nucleotide variant.
Coding change: c.5349C>G on transcript NM_001142864.4 (MANE Select); coding-DNA position 5349, C replaced by G.
Protein change: p.Ile1783Met; replaces isoleucine 1783 with methionine.
Molecular consequence: missense variant.
Genome position (GRCh38, 1-based): chr16:88,721,592, G>C on the plus strand (C>G on the coding strand, the complement: PIEZO1 is on the minus strand). VCF-style: chr16-88721592-G-C. GRCh37 (hg19) VCF-style: chr16-88788000-G-C.
Other names: short protein forms I1783M.
Identifiers: ClinVar variation 4974612 (VCV004974612.1).

ClinVar aggregate classification (germline): Uncertain significance (1 of 4 stars; one submission).

Conditions:
Lymphatic malformation 6 (LMPHM6). Also called: GENERALIZED LYMPHATIC DYSPLASIA OF FOTIOU; Lymphedema, hereditary, III; PIEZO1-related generalized lymphatic dysplasia with non-immune hydrops fetalis. Identifiers: Orphanet 568062, MedGen C4225184, MONDO:0014797, OMIM 616843.

Submission:

Clinical Genomics Laboratory, Washington University in St. Louis
Classification: Uncertain significance for Lymphatic malformation 6. Last evaluated: 2026-01-01. Review status: criteria provided, single submitter. Criteria: ACMG Guidelines, 2015. Collection method: clinical testing. Allele origin: germline.
Comment: A PIEZO1 c.5349C>G (p.Ile1783Met) variant was identified at a near heterozygous allelic fraction of 48.3%, a frequency which may be consistent with it being of germline origin. This variant, to our knowledge, has not been reported in the medical literature or the ClinVar database. It is absent from the general population (gnomAD v4.1.0), indicating it is not a common variant. Computational predictors suggest that the variant does not impact PIEZO1 function. Due to limited information, and based on ACMG/AMP guidelines for variant interpretation (Richards S et al., PMID: 25741868), the clinical significance of this variant is uncertain at this time.